The following is an entry in ClinVar:

NM_015570.4(AUTS2):c.2995_3012del (p.Thr999_Glu1004del)

Gene: AUTS2 (activator of transcription and developmental regulator AUTS2; plus strand). Cytogenetic location: 7q11.22.
Variant type: Deletion.
Coding change: c.2995_3012del on transcript NM_015570.4 (MANE Select); coding-DNA positions 2995 to 3012, 18 bases deleted (ACCCACCGGGCCTCGGAG).
Protein change: p.Thr999_Glu1004del.
Molecular consequence: inframe deletion.
Genome position (GRCh38, 1-based): chr7:70,790,211-70,790,228, ACCCACCGGGCCTCGGAG deleted; deleting any 18 consecutive bases within chr7:70,790,209-70,790,228 gives the same sequence; the c. name uses the placement nearest the transcript's 3' end. VCF-style (leftmost placement, unchanged base first): chr7-70790208-CAGACCCACCGGGCCTCGG-C. GRCh37 (hg19) VCF-style: chr7-70255194-CAGACCCACCGGGCCTCGG-C.
Other names: c.2923_2940del, p.Thr975_Glu980del (NM_001127231.3).
Identifiers: ClinVar variation 1693043 (VCV001693043.3), dbSNP rs2129561598, ClinGen allele CA2573142202.

ClinVar aggregate classification (germline): Likely pathogenic (1 of 4 stars; one submission).

Submission:

GeneDx
Classification: Likely pathogenic. Last evaluated: 2025-03-17. Review status: criteria provided, single submitter. Criteria: GeneDx Variant Classification Process June 2021. Collection method: clinical testing. Allele origin: germline. Affected: yes.
Comment: Not observed at significant frequency in large population cohorts (gnomAD); In-frame deletion of 6 amino acid(s) in a non-repeat region; In silico analysis supports a deleterious effect on protein structure/function; Has not been previously published as pathogenic or benign to our knowledge